The following is an entry in ClinVar:

ClinVar aggregate classification (germline): Pathogenic (1 of 4 stars; one submission).

Conditions:
Landau-Kleffner syndrome (FESD). Also called: EPILEPSY, FOCAL, WITH SPEECH DISORDER AND WITH OR WITHOUT MENTAL RETARDATION; APHASIA, ACQUIRED, WITH EPILEPSY. Identifiers: Orphanet 1945, Orphanet 725, Orphanet 98818, MedGen C0282512, MONDO:0009509, OMIM 245570.

Submission:

Labcorp Genetics (formerly Invitae), Labcorp
Classification: Pathogenic for Landau-Kleffner syndrome. Last evaluated: 2022-07-26. Review status: criteria provided, single submitter. Criteria: Invitae Variant Classification Sherloc (09022015). Collection method: clinical testing. Allele origin: germline.
Comment: For these reasons, this variant has been classified as Pathogenic. This variant has not been reported in the literature in individuals affected with GRIN2A-related conditions. This variant is not present in population databases (gnomAD no frequency). This sequence change creates a premature translational stop signal (p.Leu159Argfs*15) in the GRIN2A gene. It is expected to result in an absent or disrupted protein product. Loss-of-function variants in GRIN2A are known to be pathogenic (PMID: 23933819, 23933820).

Literature cited by the submitters: PubMed 23933819; PubMed 23933820.

NM_001134407.3(GRIN2A):c.476del (p.Leu159fs)

Gene: GRIN2A (glutamate ionotropic receptor NMDA type subunit 2A; minus strand). Cytogenetic location: 16p13.2.
Variant type: Deletion.
Coding change: c.476del on transcript NM_001134407.3 (MANE Select); coding-DNA position 476, one base deleted (T; older notation c.476delT).
Protein change: p.Leu159fs; shifts the reading frame from leucine 159.
Molecular consequence: frameshift variant.
Genome position (GRCh38, 1-based): chr16:9,938,490, A deleted on the plus strand (T on the coding strand, the reverse complement: GRIN2A is on the minus strand). VCF-style (leftmost placement, unchanged base first): chr16-9938489-CA-C. GRCh37 (hg19) VCF-style: chr16-10032346-CA-C.
Other names: c.476del, p.Leu159fs (NM_000833.5, NM_001134408.2); short protein forms L159fs.
Identifiers: ClinVar variation 2019765 (VCV002019765.4), dbSNP rs2543143325, ClinGen allele CA2580092107.
Genomic context (GRCh38, chr16:9,938,489, plus strand): 5'-GCCAGGGAAGATAGTGGTCACCAGGGAGAAGACATGCCAGTCATAATCCTGCATGATCTT[CA>C]GCATGACCGTGGCTTGCTGCTGGATGGACGCTCCAAACTGGAAGAAGGTAGACGTCGGAT-3'